The following is an entry in ClinVar:

ClinVar aggregate classification (germline): Uncertain significance (1 of 4 stars; one submission).

Submission:

Women's Health and Genetics/Laboratory Corporation of America, LabCorp
Classification: Uncertain significance. Last evaluated: 2026-04-24. Review status: criteria provided, single submitter. Criteria: LabCorp Variant Classification Summary - May 2015. Collection method: clinical testing. Allele origin: germline.
Comment: Variant summary: SALL1 c.449G>A (p.Ser150Asn) results in a conservative amino acid change in the encoded protein sequence. Algorithms developed to predict the effect of missense changes on protein structure and function are either unavailable or do not agree on the potential impact of this missense change. The variant was absent in 249570 control chromosomes. The available data on variant occurrences in the general population are insufficient to allow any conclusion about variant significance. To our knowledge, no occurrence of c.449G>A in individuals affected with SALL1-related conditions and no experimental evidence demonstrating its impact on protein function have been reported. ClinVar contains an entry for this variant (Variation ID: 3912015). Based on the evidence outlined above, the variant was classified as uncertain significance.

NM_002968.3(SALL1):c.449G>A (p.Ser150Asn)

Gene: SALL1 (spalt like transcription factor 1; minus strand). Cytogenetic location: 16q12.1.
Variant type: single nucleotide variant.
Coding change: c.449G>A on transcript NM_002968.3 (MANE Select); coding-DNA position 449, G replaced by A.
Protein change: p.Ser150Asn; replaces serine 150 with asparagine.
Molecular consequence: missense variant.
Genome position (GRCh38, 1-based): chr16:51,141,773, C>T on the plus strand (G>A on the coding strand, the complement: SALL1 is on the minus strand). VCF-style: chr16-51141773-C-T. GRCh37 (hg19) VCF-style: chr16-51175684-C-T.
Other names: c.158G>A, p.Ser53Asn (NM_001127892.2); short protein forms S150N, S53N.
Identifiers: ClinVar variation 3912015 (VCV003912015.3).